The following is an entry in ClinVar:

ClinVar aggregate classification (germline): Pathogenic. Review status: criteria provided, multiple submitters, no conflicts (2 of 4 stars). 2 submissions from 2 submitters: Pathogenic (2). Last evaluated 2021-10-23.

Conditions:
Inborn genetic diseases. Identifiers: MedGen C0950123, MeSH D030342.

Submissions (2):

Labcorp Genetics (formerly Invitae), Labcorp
Classification: Pathogenic. Last evaluated: 2021-10-23. Review status: criteria provided, single submitter. Criteria: Invitae Variant Classification Sherloc (09022015). Collection method: clinical testing. Allele origin: germline.
Comment: This sequence change creates a premature translational stop signal (p.Trp1709*) in the NSD1 gene. It is expected to result in an absent or disrupted protein product. Loss-of-function variants in NSD1 are known to be pathogenic (PMID: 12464997, 14571271, 15942875, 16247291). This variant is not present in population databases (ExAC no frequency). This premature translational stop signal has been observed in individual(s) with clinical features of Sotos syndrome (PMID: 15720303). For these reasons, this variant has been classified as Pathogenic.

Ambry Genetics
Classification: Pathogenic for Inborn genetic diseases. Last evaluated: 2016-03-23. Review status: criteria provided, single submitter. Criteria: Ambry Variant Classification Scheme 2023. Collection method: clinical testing. Allele origin: germline.
Comment: The p.W1709* pathogenic mutation (also known as c.5127G>A), located in coding exon 13 of the NSD1 gene, results from a G to A substitution at nucleotide position 5127. This changes the amino acid from a tryptophan to a stop codon within coding exon 13. This pathogenic mutation was detected in an individual with Sotos syndrome (Melchior L et al. Ann. Hum. Genet. 2005 Mar; 69 (Pt 2):222-6). In addition to the clinical data presented in the literature, since premature stop codons are typically deleterious in nature, this alteration is interpreted as a disease-causing mutation (ACMG Recommendations for Standards for Interpretation and Reporting of Sequence Variations. Revision 2007. Genet Med. 2008;10:294).

Literature cited by the submitters: PubMed 12464997 (cited by Labcorp Genetics (formerly Invitae), Labcorp); PubMed 14571271 (cited by Labcorp Genetics (formerly Invitae), Labcorp); PubMed 15942875 (cited by Labcorp Genetics (formerly Invitae), Labcorp); PubMed 16247291 (cited by Labcorp Genetics (formerly Invitae), Labcorp); PubMed 15720303 (cited by Labcorp Genetics (formerly Invitae), Labcorp and Ambry Genetics).

NM_022455.5(NSD1):c.5127G>A (p.Trp1709Ter)

Gene: NSD1 (nuclear receptor binding SET domain protein 1; plus strand). Cytogenetic location: 5q35.3.
Variant type: single nucleotide variant.
Coding change: c.5127G>A on transcript NM_022455.5 (MANE Select); coding-DNA position 5127, G replaced by A.
Protein change: p.Trp1709Ter; replaces tryptophan 1709 with a stop codon.
Molecular consequence: nonsense.
Genome position (GRCh38, 1-based): chr5:177,260,149, G>A. VCF-style: chr5-177260149-G-A. GRCh37 (hg19) VCF-style: chr5-176687150-G-A.
Other names: c.4254G>A, p.Trp1418Ter (NM_001365684.2, NM_001409308.1, NM_001409309.1 and 1 more transcripts); c.5127G>A, p.Trp1709Ter (NM_001409301.1, NM_001409302.1, NM_001409303.1); c.4707G>A, p.Trp1569Ter (NM_001409304.1); c.4374G>A, p.Trp1458Ter (NM_001409305.1); c.4365G>A, p.Trp1455Ter (NM_001409306.1, NM_001409307.1); short protein forms W1440*, W1709*, W1455*, W1418*, W1458*, W1569*.
Identifiers: ClinVar variation 1425282 (VCV001425282.8), dbSNP rs2149918110, ClinGen allele CA362303347.